The following is an entry in ClinVar:

ClinVar aggregate classification (germline): Conflicting classifications of pathogenicity. Review status: criteria provided, conflicting classifications (1 of 4 stars). 4 submissions from 4 submitters: Uncertain significance (1); Benign (1); Likely benign (1). 1 of the submissions does not count toward it. Last evaluated 2025-12-18.

Conditions:
Rubinstein-Taybi syndrome (RSTS). Identifiers: Orphanet 783, MedGen C0035934, MONDO:0019188.
CREBBP-related disorder. Also called: CREBBP-related condition; CREBBP-related disorders.

Allele frequency attached by ClinVar (database versions not stated): TOPMed 0.00003; gnomAD 0.00005.
gnomAD v4.1: 97 of 1,613,674 alleles (0.006%); highest among the groups gnomAD compares: South Asian, 0.065%; no homozygotes.

Submissions (4):

Labcorp Genetics (formerly Invitae), Labcorp
Classification: Benign for Rubinstein-Taybi syndrome. Last evaluated: 2025-12-18. Review status: criteria provided, single submitter. Criteria: Invitae Variant Classification Sherloc (09022015). Collection method: clinical testing. Allele origin: germline.

Blueprint Genetics
Classification: Likely benign. Last evaluated: 2023-05-26. Review status: criteria provided, single submitter. Criteria: ACMG Guidelines, 2015. Collection method: clinical testing. Allele origin: germline.

Eurofins Ntd Llc (ga)
Classification: Uncertain significance. Last evaluated: 2013-08-05. Review status: criteria provided, single submitter. Criteria: EGL Classification Definitions 2015. Collection method: clinical testing. Allele origin: germline. Observed: 1 variant allele, 1 heterozygote.

PreventionGenetics, part of Exact Sciences
Classification: Likely benign for CREBBP-related condition. Last evaluated: 2022-11-29. Review status: no assertion criteria provided. Collection method: clinical testing. Allele origin: germline. Not counted in ClinVar's aggregate classification.
Comment: This variant is classified as likely benign based on ACMG/AMP sequence variant interpretation guidelines (Richards et al. 2015 PMID: 25741868, with internal and published modifications).

NM_004380.3(CREBBP):c.3060+10G>A

Gene: CREBBP (CREB binding lysine acetyltransferase; minus strand). Cytogenetic location: 16p13.3.
Variant type: single nucleotide variant.
Coding change: c.3060+10G>A on transcript NM_004380.3 (MANE Select); 10 bases into the intron after coding-DNA position 3060, G replaced by A.
Molecular consequence: intron variant.
Genome position (GRCh38, 1-based): chr16:3,769,164, C>T on the plus strand (G>A on the coding strand, the complement: CREBBP is on the minus strand). VCF-style: chr16-3769164-C-T. GRCh37 (hg19) VCF-style: chr16-3819165-C-T.
Other names: c.2946+10G>A (NM_001079846.1).
Identifiers: ClinVar variation 95041 (VCV000095041.15), dbSNP rs398124143, ClinGen allele CA222691.